The following is an entry in ClinVar:

NM_002857.4(PEX19):c.744T>G (p.Phe248Leu)

Gene: PEX19 (peroxisomal biogenesis factor 19; minus strand). Cytogenetic location: 1q23.2.
Variant type: single nucleotide variant.
Coding change: c.744T>G on transcript NM_002857.4 (MANE Select); coding-DNA position 744, T replaced by G.
Protein change: p.Phe248Leu; replaces phenylalanine 248 with leucine.
Molecular consequence: missense variant. On other transcripts: non-coding transcript variant (2).
Genome position (GRCh38, 1-based): chr1:160,280,097, A>C on the plus strand (T>G on the coding strand, the complement: PEX19 is on the minus strand). VCF-style: chr1-160280097-A-C. GRCh37 (hg19) VCF-style: chr1-160249887-A-C.
Other names: c.744T>G, p.Phe248Leu (NM_001193644.1); short protein forms F248L.
Identifiers: ClinVar variation 1416034 (VCV001416034.8), dbSNP rs1473774134, ClinGen allele CA343257082.

ClinVar aggregate classification (germline): Uncertain significance (1 of 4 stars; one submission).

Conditions:
Peroxisome biogenesis disorder 12A (Zellweger). Also called: Peroxisome biogenesis disorder 12A. Identifiers: Orphanet 912, MedGen C3554002, MONDO:0013951, OMIM 614886.

Submission:

Labcorp Genetics (formerly Invitae), Labcorp
Classification: Uncertain significance for Peroxisome biogenesis disorder 12A (Zellweger). Last evaluated: 2020-11-25. Review status: criteria provided, single submitter. Criteria: Invitae Variant Classification Sherloc (09022015). Collection method: clinical testing. Allele origin: germline.
Comment: This sequence change replaces phenylalanine with leucine at codon 248 of the PEX19 protein (p.Phe248Leu). The phenylalanine residue is highly conserved and there is a small physicochemical difference between phenylalanine and leucine. This variant is not present in population databases (ExAC no frequency). This variant has not been reported in the literature in individuals with PEX19-related conditions. Algorithms developed to predict the effect of missense changes on protein structure and function are either unavailable or do not agree on the potential impact of this missense change (SIFT: "Tolerated"; PolyPhen-2: "Possibly Damaging"; Align-GVGD: "Class C0"). In summary, the available evidence is currently insufficient to determine the role of this variant in disease. Therefore, it has been classified as a Variant of Uncertain Significance.